The following is an entry in ClinVar:

NM_001165963.4(SCN1A):c.1377+1del

Gene: SCN1A (sodium voltage-gated channel alpha subunit 1; minus strand). Cytogenetic location: 2q24.3.
Variant type: Deletion.
Coding change: c.1377+1del on transcript NM_001165963.4 (MANE Select); the canonical splice donor site of the intron after coding-DNA position 1377, one base deleted (G; older notation c.1377+1delG).
Molecular consequence: splice donor variant.
Genome position (GRCh38, 1-based): chr2:166,046,769, C deleted on the plus strand (G on the coding strand, the reverse complement: SCN1A is on the minus strand); the first of 2 consecutive C bases (chr2:166,046,769-166,046,770); deleting either gives the same sequence. VCF-style (leftmost placement, unchanged base first): chr2-166046768-AC-A. GRCh37 (hg19) VCF-style: chr2-166903278-AC-A.
Other names: c.1377+1delG (NM_001165963.1); c.1377+1del (NM_001353949.2, NM_001353958.2, NM_001353950.2 and 10 more transcripts); c.-1049+1del (NM_001353961.2).
Identifiers: ClinVar variation 372999 (VCV000372999.2), dbSNP rs1057518129, ClinGen allele CA16042444.

ClinVar aggregate classification (germline): Pathogenic (1 of 4 stars; one submission).

Submission:

GeneDx
Classification: Pathogenic. Last evaluated: 2016-10-24. Review status: criteria provided, single submitter. Criteria: GeneDx Variant Classification (06012015). Collection method: clinical testing. Allele origin: germline. Affected: yes.
Comment: The c.1377+1delG pathogenic splice site variant in the SCN1A gene destroys the canonical splice donor site in intron 9. It is predicted to cause abnormal gene splicing, either leading to an abnormal message that is subject to nonsense-mediated mRNA decay, or to an abnormal protein product if the message is used for protein translation. Furthermore, c.1377+1delG was not observed in approximately 6,500 individuals of European and African American ancestry in the NHLBI Exome Sequencing Project, indicating it is not a common benign variant in these populations. Although this pathogenic variant has not been previously reported to our knowledge, other splice site variants have been reported in the Human Gene Mutation Database in association with SCN1A-related disorders (Stenson et al., 2014).